The following is an entry in ClinVar:

ClinVar aggregate classification (germline): Pathogenic (1 of 4 stars; one submission).

Submission:

Labcorp Genetics (formerly Invitae), Labcorp
Classification: Pathogenic. Last evaluated: 2024-11-04. Review status: criteria provided, single submitter. Criteria: Invitae Variant Classification Sherloc (09022015). Collection method: clinical testing. Allele origin: germline.
Comment: This sequence change creates a premature translational stop signal (p.Val1006Serfs*5) in the POLE gene. It is expected to result in an absent or disrupted protein product. Loss-of-function variants in POLE are known to be pathogenic (PMID: 23230001, 25948378, 30503519). This variant is not present in population databases (gnomAD no frequency). This variant has not been reported in the literature in individuals affected with POLE-related conditions. For these reasons, this variant has been classified as Pathogenic.

Literature cited by the submitters: PubMed 23230001; PubMed 25948378; PubMed 30503519.

NM_006231.4(POLE):c.3016_3017del (p.Val1006fs)

Gene: POLE (DNA polymerase epsilon, catalytic subunit; minus strand). Cytogenetic location: 12q24.33.
Variant type: Deletion.
Coding change: c.3016_3017del on transcript NM_006231.4 (MANE Select); coding-DNA positions 3016 to 3017, 2 bases deleted (GT; older notation c.3016_3017delGT).
Protein change: p.Val1006fs; shifts the reading frame from valine 1006.
Molecular consequence: frameshift variant.
Genome position (GRCh38, 1-based): chr12:132,661,012-132,661,013, AC deleted on the plus strand (GT on the coding strand, the reverse complement: POLE is on the minus strand); deleting any 2 consecutive bases within chr12:132,661,012-132,661,014 gives the same sequence; the c. name uses the placement nearest the transcript's 3' end. VCF-style (leftmost placement, unchanged base first): chr12-132661011-TAC-T. GRCh37 (hg19) VCF-style: chr12-133237597-TAC-T.
Other names: short protein forms V1006fs.
Identifiers: ClinVar variation 3724602 (VCV003724602.2).